The following is an entry in ClinVar:

ClinVar aggregate classification (germline): Conflicting classifications of pathogenicity. Review status: criteria provided, conflicting classifications (1 of 4 stars). 3 submissions from 3 submitters: Uncertain significance (2); Likely benign (1). Last evaluated 2025-04-28.

Allele frequency attached by ClinVar (database versions not stated): ExAC 0.00002; gnomAD exomes 0.00002; TOPMed 0.00002.
gnomAD v4.1: 11 of 1,614,132 alleles (0.00068%); highest among the groups gnomAD compares: Admixed American, 0.018%; no homozygotes.

Submissions (3):

Labcorp Genetics (formerly Invitae), Labcorp
Classification: Uncertain significance. Last evaluated: 2025-04-28. Review status: criteria provided, single submitter. Criteria: Invitae Variant Classification Sherloc (09022015). Collection method: clinical testing. Allele origin: germline.
Comment: This sequence change falls in intron 13 of the SLC4A1 gene. It does not directly change the encoded amino acid sequence of the SLC4A1 protein. It affects a nucleotide within the consensus splice site. This variant is present in population databases (rs776491345, gnomAD 0.02%). This variant has not been reported in the literature in individuals affected with SLC4A1-related conditions. ClinVar contains an entry for this variant (Variation ID: 2428656). Variants that disrupt the consensus splice site are a relatively common cause of aberrant splicing (PMID: 17576681, 9536098). Algorithms developed to predict the effect of sequence changes on RNA splicing suggest that this variant is not likely to affect RNA splicing. In summary, the available evidence is currently insufficient to determine the role of this variant in disease. Therefore, it has been classified as a Variant of Uncertain Significance.

Revvity Omics, Revvity
Classification: Uncertain significance. Last evaluated: 2023-08-23. Review status: criteria provided, single submitter. Criteria: ACMG Guidelines, 2015. Collection method: clinical testing. Allele origin: germline.

ARUP Laboratories, Molecular Genetics and Genomics, ARUP Laboratories
Classification: Likely benign. Last evaluated: 2022-04-27. Review status: criteria provided, single submitter. Criteria: ARUP Molecular Germline Variant Investigation Process 2021. Collection method: clinical testing. Allele origin: germline.

Literature cited by the submitters: PubMed 17576681 (cited by Labcorp Genetics (formerly Invitae), Labcorp); PubMed 9536098 (cited by Labcorp Genetics (formerly Invitae), Labcorp).

NM_000342.4(SLC4A1):c.1627-3C>T

Gene: SLC4A1 (solute carrier family 4 member 1 (Diego blood group); minus strand). Cytogenetic location: 17q21.31.
Variant type: single nucleotide variant.
Coding change: c.1627-3C>T on transcript NM_000342.4 (MANE Select); 3 bases into the intron before coding-DNA position 1627, C replaced by T.
Molecular consequence: intron variant.
Genome position (GRCh38, 1-based): chr17:44,255,849, G>A on the plus strand (C>T on the coding strand, the complement: SLC4A1 is on the minus strand). VCF-style: chr17-44255849-G-A. GRCh37 (hg19) VCF-style: chr17-42333217-G-A.
Identifiers: ClinVar variation 2428656 (VCV002428656.7), dbSNP rs776491345, ClinGen allele CA8600223.